The following is an entry in ClinVar:

ClinVar aggregate classification (germline): Uncertain significance. Review status: criteria provided, multiple submitters, no conflicts (2 of 4 stars). 4 submissions from 4 submitters: Uncertain significance (4). Last evaluated 2025-02-22.

Conditions:
Inborn genetic diseases. Identifiers: MedGen C0950123, MeSH D030342.
Apparent mineralocorticoid excess (AME). Also called: CORTISOL 11-BETA-KETOREDUCTASE DEFICIENCY. Identifiers: Orphanet 320, MedGen C0342488, MONDO:0009025, OMIM 218030.

Allele frequency attached by ClinVar (database versions not stated): TOPMed 0.00001; ExAC 0.00003.
gnomAD v4.1: 7 of 1,614,218 alleles (0.00043%); highest among the groups gnomAD compares: Admixed American, 0.01%; no homozygotes.

Submissions (4):

Ambry Genetics
Classification: Uncertain significance for Inborn genetic diseases. Last evaluated: 2025-02-22. Review status: criteria provided, single submitter. Criteria: Ambry Variant Classification Scheme 2023. Collection method: clinical testing. Allele origin: germline.

Fulgent Genetics
Classification: Uncertain significance for Apparent mineralocorticoid excess. Last evaluated: 2024-05-08. Review status: criteria provided, single submitter. Criteria: ACMG Guidelines, 2015. Collection method: clinical testing. Allele origin: germline.

Labcorp Genetics (formerly Invitae), Labcorp
Classification: Uncertain significance. Last evaluated: 2022-10-19. Review status: criteria provided, single submitter. Criteria: Invitae Variant Classification Sherloc (09022015). Collection method: clinical testing. Allele origin: germline.
Comment: In summary, the available evidence is currently insufficient to determine the role of this variant in disease. Therefore, it has been classified as a Variant of Uncertain Significance. Algorithms developed to predict the effect of missense changes on protein structure and function (SIFT, PolyPhen-2, Align-GVGD) all suggest that this variant is likely to be tolerated. This variant has not been reported in the literature in individuals affected with HSD11B2-related conditions. This variant is present in population databases (rs755689274, gnomAD 0.02%). This sequence change replaces glutamine, which is neutral and polar, with lysine, which is basic and polar, at codon 289 of the HSD11B2 protein (p.Gln289Lys).

Blueprint Genetics
Classification: Uncertain significance. Last evaluated: 2019-08-15. Review status: criteria provided, single submitter. Criteria: ACMG Guidelines, 2015. Collection method: clinical testing. Allele origin: germline.

NM_000196.4(HSD11B2):c.865C>A (p.Gln289Lys)

Gene: HSD11B2 (hydroxysteroid 11-beta dehydrogenase 2; plus strand). Cytogenetic location: 16q22.1.
Variant type: single nucleotide variant.
Coding change: c.865C>A on transcript NM_000196.4 (MANE Select); coding-DNA position 865, C replaced by A.
Protein change: p.Gln289Lys; replaces glutamine 289 with lysine.
Molecular consequence: missense variant.
Genome position (GRCh38, 1-based): chr16:67,436,650, C>A. VCF-style: chr16-67436650-C-A. GRCh37 (hg19) VCF-style: chr16-67470553-C-A.
Other names: c.865C>A (NM_000196.3); short protein forms Q289K.
Identifiers: ClinVar variation 2081334 (VCV002081334.7), dbSNP rs755689274, ClinGen allele CA8110764.